The following is an entry in ClinVar:

NM_001170629.2(CHD8):c.6358C>T (p.Leu2120Phe)

Gene: CHD8 (chromodomain helicase DNA binding protein 8; minus strand). Cytogenetic location: 14q11.2.
Variant type: single nucleotide variant.
Coding change: c.6358C>T on transcript NM_001170629.2 (MANE Select); coding-DNA position 6358, C replaced by T.
Protein change: p.Leu2120Phe; replaces leucine 2120 with phenylalanine.
Molecular consequence: missense variant.
Genome position (GRCh38, 1-based): chr14:21,393,216, G>A on the plus strand (C>T on the coding strand, the complement: CHD8 is on the minus strand). VCF-style: chr14-21393216-G-A. GRCh37 (hg19) VCF-style: chr14-21861375-G-A.
Other names: c.5521C>T, p.Leu1841Phe (NM_020920.4); short protein forms L1841F, L2120F.
Identifiers: ClinVar variation 1976729 (VCV001976729.5), dbSNP rs2501853634, ClinGen allele CA388879469.
Genomic context (GRCh38, chr14:21,393,216, plus strand): 5'-GGGTCATTTGTTCTCCATCTTCATTTGGGAATCCATCTTGGGACATAGTGAGGGACAGGA[G>A]ACTCTCTTCATCATAGAGCTTTGAGCGGGACTGGTCAGCTGGTAAGAGAGCCCATAGAAT-3'
Protein context (NP_001164100.1, residues 2110-2130): SRSKLYDEES[Leu2120Phe]LSLTMSQDGF

ClinVar aggregate classification (germline): Uncertain significance (1 of 4 stars; one submission).

Allele frequency attached by ClinVar (database versions not stated): gnomAD exomes below 0.00001.
gnomAD v4.1: 1 of 1,613,994 alleles (0.000062%); highest among the groups gnomAD compares: Non-Finnish European, 0.000085%; no homozygotes.

Submission:

Labcorp Genetics (formerly Invitae), Labcorp
Classification: Uncertain significance. Last evaluated: 2024-09-23. Review status: criteria provided, single submitter. Criteria: Invitae Variant Classification Sherloc (09022015). Collection method: clinical testing. Allele origin: germline.
Comment: This sequence change replaces leucine, which is neutral and non-polar, with phenylalanine, which is neutral and non-polar, at codon 2120 of the CHD8 protein (p.Leu2120Phe). This variant is not present in population databases (gnomAD no frequency). This variant has not been reported in the literature in individuals affected with CHD8-related conditions. ClinVar contains an entry for this variant (Variation ID: 1976729). Invitae Evidence Modeling of protein sequence and biophysical properties (such as structural, functional, and spatial information, amino acid conservation, physicochemical variation, residue mobility, and thermodynamic stability) indicates that this missense variant is not expected to disrupt CHD8 protein function with a negative predictive value of 80%. In summary, the available evidence is currently insufficient to determine the role of this variant in disease. Therefore, it has been classified as a Variant of Uncertain Significance.